The following is an entry in ClinVar:

ClinVar aggregate classification (germline): Likely benign (0 of 4 stars; one submission).

Conditions:
BPTF-related disorder. Also called: BPTF-related condition.

Allele frequency attached by ClinVar (database versions not stated): gnomAD exomes below 0.00001; gnomAD 0.00001.
gnomAD v4.1: 4 of 1,578,632 alleles (0.00025%); highest among the groups gnomAD compares: Non-Finnish European, 0.00034%; no homozygotes.

Submission:

PreventionGenetics, part of Exact Sciences
Classification: Likely benign for BPTF-related condition. Last evaluated: 2019-02-28. Review status: no assertion criteria provided. Collection method: clinical testing. Allele origin: germline.
Comment: This variant is classified as likely benign based on ACMG/AMP sequence variant interpretation guidelines (Richards et al. 2015 PMID: 25741868, with internal and published modifications).

NM_182641.4(BPTF):c.8110T>C (p.Leu2704=)

Gene: BPTF (bromodomain PHD finger transcription factor; plus strand). Cytogenetic location: 17q24.2.
Variant type: single nucleotide variant.
Coding change: c.8110T>C on transcript NM_182641.4 (MANE Select); coding-DNA position 8110, T replaced by C.
Protein change: p.Leu2704=; no amino-acid change (leucine 2704 retained).
Molecular consequence: synonymous variant.
Genome position (GRCh38, 1-based): chr17:67,959,724, T>C. VCF-style: chr17-67959724-T-C. GRCh37 (hg19) VCF-style: chr17-65955840-T-C.
Other names: c.8059T>C, p.Leu2687= (NM_004459.7).
Identifiers: ClinVar variation 3046814 (VCV003046814.2), dbSNP rs1245428019, ClinGen allele CA501696839.